The following is an entry in ClinVar:

NM_001267550.2(TTN):c.47876-18A>C

Genes: TTN (titin; minus strand), TTN-AS1 (TTN antisense RNA 1; plus strand). Cytogenetic location: 2q31.2.
Variant type: single nucleotide variant.
Coding change: c.47876-18A>C on transcript NM_001267550.2 (MANE Select); 18 bases into the intron before coding-DNA position 47876, A replaced by C.
Molecular consequence: intron variant.
Genome position (GRCh38, 1-based): chr2:178,617,031, T>G on the plus strand (A>C on the coding strand, the complement: TTN is on the minus strand). VCF-style: chr2-178617031-T-G. GRCh37 (hg19) VCF-style: chr2-179481758-T-G.
Other names: c.42953-18A>C (NM_001256850.1); c.20681-18A>C (NM_003319.4); c.21257-18A>C (NM_133437.4); c.21056-18A>C (NM_133432.3); c.40172-18A>C (NM_133378.4).
Identifiers: ClinVar variation 378822 (VCV000378822.10), dbSNP rs776809349, ClinGen allele CA1994945.
Genomic context (GRCh38, chr2:178,617,031, plus strand): 5'-TCCAGACCATCTTTAAATGCACTTAAATCCATTGTTGGTTCAACTACAAAGAAGAAAAGT[T>G]AATGAGTTTGCAGTGCCATATTTAAGTCCCTGTTGCCCCAAAGTAGCTATGTGCTATTCC-3'

ClinVar aggregate classification (germline): Benign/Likely benign. Review status: criteria provided, multiple submitters, no conflicts (2 of 4 stars). 3 submissions from 3 submitters: Benign (1); Likely benign (2). Last evaluated 2026-02-03.

Conditions:
Autosomal recessive limb-girdle muscular dystrophy type 2J (LGMDR10). Also called: MUSCULAR DYSTROPHY, LIMB-GIRDLE, AUTOSOMAL RECESSIVE 10; Limb-girdle muscular dystrophy, type 2J. Identifiers: Orphanet 140922, MedGen C1837342, MONDO:0012127, OMIM 608807.
Dilated cardiomyopathy 1G (CMD1G). Identifiers: Orphanet 154, MedGen C1858763, MONDO:0011400, OMIM 604145.

Allele frequency attached by ClinVar (database versions not stated): gnomAD 0.00005 and 0.00007; gnomAD exomes 0.00008 and 0.00015; TOPMed 0.00009; ExAC 0.00014.
gnomAD v4.1: 135 of 1,611,950 alleles (0.0084%); highest among the groups gnomAD compares: Middle Eastern, 0.066%; no homozygotes.

Submissions (3):

Labcorp Genetics (formerly Invitae), Labcorp
Classification: Likely benign for Dilated cardiomyopathy 1G; Autosomal recessive limb-girdle muscular dystrophy type 2J. Last evaluated: 2026-02-03. Review status: criteria provided, single submitter. Criteria: Invitae Variant Classification Sherloc (09022015). Collection method: clinical testing. Allele origin: germline.

Blueprint Genetics
Classification: Likely benign. Last evaluated: 2024-11-07. Review status: criteria provided, single submitter. Criteria: ACMG Guidelines, 2015. Collection method: clinical testing. Allele origin: germline.

GeneDx
Classification: Benign. Last evaluated: 2015-11-04. Review status: criteria provided, single submitter. Criteria: GeneDx Variant Classification (06012015). Collection method: clinical testing. Allele origin: germline. Affected: yes.
Comment: This variant is considered likely benign or benign based on one or more of the following criteria: it is a conservative change, it occurs at a poorly conserved position in the protein, it is predicted to be benign by multiple in silico algorithms, and/or has population frequency not consistent with disease.